The following is an entry in ClinVar:

NC_000005.9:g.(?_112173240)_(112179823_?)dup

Gene: APC (APC regulator of Wnt signaling pathway; plus strand). Cytogenetic location: 5q22.2.
Variant type: Duplication.
Identifiers: ClinVar variation 2422176 (VCV002422176.4).

ClinVar aggregate classification (germline): Uncertain significance (1 of 4 stars; one submission).

Conditions:
Familial adenomatous polyposis 1 (FAP1). Also called: FAMILIAL ADENOMATOUS POLYPOSIS 1, ATTENUATED; POLYPOSIS, ADENOMATOUS INTESTINAL. Identifiers: MedGen C2713442, MONDO:0021056, OMIM 175100. Disease mechanism: loss of function.

Submission:

Labcorp Genetics (formerly Invitae), Labcorp
Classification: Uncertain significance for Familial adenomatous polyposis 1. Last evaluated: 2023-10-05. Review status: criteria provided, single submitter. Criteria: Invitae Variant Classification Sherloc (09022015). Collection method: clinical testing. Allele origin: germline.
Comment: This variant results in a copy number gain of the genomic region encompassing exon(s) 16 of the APC gene. This region includes the termination codon of the gene. This copy number gain extends beyond the assayed region for this gene and therefore may encompass additional genes. As the precise location of this event is unknown, it may be in tandem or it may be located elsewhere in the genome. This variant has not been reported in the literature in individuals affected with APC-related conditions. Experimental studies and prediction algorithms are not available or were not evaluated, and the functional significance of this variant is currently unknown. In summary, the available evidence is currently insufficient to determine the role of this variant in disease. Therefore, it has been classified as a Variant of Uncertain Significance.